The following is an entry in ClinVar:

ClinVar aggregate classification (germline): Uncertain significance (1 of 4 stars; one submission).

Conditions:
Neurodevelopmental disorder with microcephaly, seizures, and cortical atrophy. Identifiers: MedGen C4540493, MONDO:0060621, OMIM 617802.

Allele frequency attached by ClinVar (database versions not stated): ExAC 0.00001; gnomAD 0.00001; gnomAD exomes 0.00001 and 0.00002.
gnomAD v4.1: 31 of 1,612,952 alleles (0.0019%); highest among the groups gnomAD compares: Non-Finnish European, 0.0024%; no homozygotes.

Submission:

Baylor Genetics
Classification: Uncertain significance for Neurodevelopmental disorder with microcephaly, seizures, and cortical atrophy. Last evaluated: 2018-05-30. Review status: criteria provided, single submitter. Criteria: ACMG Guidelines, 2015. Collection method: clinical testing. Allele origin: maternal. Affected: yes.
Comment: This variant was determined to be of uncertain significance according to ACMG Guidelines, 2015 [PMID:25741868].

NM_006295.3(VARS1):c.1417C>T (p.Arg473Cys)

Gene: VARS1 (valyl-tRNA synthetase 1; minus strand). Cytogenetic location: 6p21.33.
Variant type: single nucleotide variant.
Coding change: c.1417C>T on transcript NM_006295.3 (MANE Select); coding-DNA position 1417, C replaced by T.
Protein change: p.Arg473Cys; replaces arginine 473 with cysteine.
Molecular consequence: missense variant.
Genome position (GRCh38, 1-based): chr6:31,784,645, G>A on the plus strand (C>T on the coding strand, the complement: VARS1 is on the minus strand). VCF-style: chr6-31784645-G-A. GRCh37 (hg19) VCF-style: chr6-31752422-G-A.
Other names: short protein forms R473C.
Identifiers: ClinVar variation 1031621 (VCV001031621.1), dbSNP rs770013428, ClinGen allele CA3723312.